The following is an entry in ClinVar:

Conditions:
Breast-ovarian cancer, familial, susceptibility to, 1 (BROVCA1). Also called: BRCA1 Hereditary Breast and Ovarian Cancer; OVARIAN CANCER, SUSCEPTIBILITY TO. Identifiers: Orphanet 145, MedGen C2676676, MONDO:0011450, OMIM 604370. Disease mechanism: loss of function.

Submission:

Brotman Baty Institute, University of Washington
No classification provided (evidence only). Condition: Breast-ovarian cancer, familial 1. Review status: no classification provided. Collection method: in vitro. Allele origin: not applicable. Functional consequence: functionally_normal.
ClinVar note: "not provided" was previously submitted as the classification for the variant. However, the classification appeared to be based only on an observation of functional data so it was converted to no classification on 2025-07-30.

NM_007294.4(BRCA1):c.5336A>T (p.Gln1779Leu)

Gene: BRCA1 (BRCA1 DNA repair associated; minus strand). Cytogenetic location: 17q21.31.
Variant type: single nucleotide variant.
Coding change: c.5336A>T on transcript NM_007294.4 (MANE Select); coding-DNA position 5336, A replaced by T.
Protein change: p.Gln1779Leu; replaces glutamine 1779 with leucine.
Molecular consequence: missense variant. On other transcripts: non-coding transcript variant (1), intron variant (1).
Genome position (GRCh38, 1-based): chr17:43,049,191, T>A on the plus strand (A>T on the coding strand, the complement: BRCA1 is on the minus strand). VCF-style: chr17-43049191-T-A. GRCh37 (hg19) VCF-style: chr17-41201208-T-A.
Other names: c.5192A>T, p.Gln1731Leu (NM_001407745.1, NM_001407746.1, NM_001407747.1 and 18 more transcripts); c.5189A>T, p.Gln1730Leu (NM_001407838.1, NM_001407839.1, NM_001407841.1 and 12 more transcripts); c.5123A>T, p.Gln1708Leu (NM_001407571.1, NM_001407894.1, NM_001407895.1 and 12 more transcripts); c.5402A>T, p.Gln1801Leu (NM_001407581.1, NM_001407582.1); c.5399A>T, p.Gln1800Leu (NM_001407583.1, NM_001407585.1, NM_001407587.1 and 1 more transcripts); c.5396A>T, p.Gln1799Leu (NM_001407590.1, NM_001407591.1); c.5336A>T, p.Gln1779Leu (NM_001407593.1, NM_001407594.1, NM_001407596.1 and 5 more transcripts); c.5333A>T, p.Gln1778Leu (NM_001407610.1, NM_001407611.1, NM_001407612.1 and 14 more transcripts); and 73 more; short protein forms Q1732L, Q1800L, Q1779L, Q675L, Q1610L, Q1625L, Q1666L, Q1667L.
Identifiers: ClinVar variation 865636 (VCV000865636.3), dbSNP rs2051096772, ClinGen allele CA10590789.